The following is an entry in ClinVar:

ClinVar aggregate classification (germline): Uncertain significance. Review status: criteria provided, single submitter (1 of 4 stars). 2 submissions from 2 submitters: Uncertain significance (1). 1 of the submissions does not count toward it. Last evaluated 2021-11-13.

Conditions:
Propionic acidemia (PROP). Also called: GLYCINEMIA, KETOTIC; HYPERGLYCINEMIA WITH KETOACIDOSIS AND LEUKOPENIA; KETOTIC HYPERGLYCINEMIA. Identifiers: Orphanet 35, MedGen C0268579, MONDO:0011628, OMIM 606054, HP:0003571.

Allele frequency attached by ClinVar (database versions not stated): gnomAD exomes below 0.00001; gnomAD 0.00001; TOPMed 0.00001.

Submissions (2):

Labcorp Genetics (formerly Invitae), Labcorp
Classification: Uncertain significance for Propionic acidemia. Last evaluated: 2021-11-13. Review status: criteria provided, single submitter. Criteria: Invitae Variant Classification Sherloc (09022015). Collection method: clinical testing. Allele origin: germline.
Comment: This variant, c.2133_2135del, results in the deletion of 1 amino acid(s) of the PCCA protein (p.Cys712del), but otherwise preserves the integrity of the reading frame. This variant is present in population databases (no rsID available, gnomAD 0.002%). This variant has been observed in individual(s) with propionic acidemia (PMID: 10329019). This variant is also known as 2058del3. ClinVar contains an entry for this variant (Variation ID: 554180). Algorithms developed to predict the effect of variants on protein structure and function are not available or were not evaluated for this variant. Experimental studies have shown that this variant affects PCCA function (PMID: 10329019). In summary, the available evidence is currently insufficient to determine the role of this variant in disease. Therefore, it has been classified as a Variant of Uncertain Significance.

Counsyl
Classification: Uncertain significance for Propionic acidemia. Last evaluated: 2017-09-28. Review status: no assertion criteria provided. Collection method: clinical testing. Allele origin: unknown. Not counted in ClinVar's aggregate classification.

Literature cited by the submitters: PubMed 10329019 (cited by Labcorp Genetics (formerly Invitae), Labcorp and Counsyl).

NM_000282.4(PCCA):c.2133_2135del (p.Cys712del)

Gene: PCCA (propionyl-CoA carboxylase subunit alpha; plus strand). Cytogenetic location: 13q32.3.
Variant type: Deletion.
Coding change: c.2133_2135del on transcript NM_000282.4 (MANE Select); coding-DNA positions 2133 to 2135, 3 bases deleted (CTG; older notation c.2133_2135delCTG).
Protein change: p.Cys712del; deletes cysteine 712.
Molecular consequence: inframe deletion. On other transcripts: non-coding transcript variant (5).
Genome position (GRCh38, 1-based): chr13:100,530,112-100,530,114, CTG deleted. VCF-style (leftmost placement, unchanged base first): chr13-100530111-ACTG-A. GRCh37 (hg19) VCF-style: chr13-101182365-ACTG-A.
Other names: c.2055_2057del, p.Cys686del (NM_001127692.3); c.1992_1994del, p.Cys665del (NM_001178004.2); c.2079_2081del, p.Cys694del (NM_001352605.2); c.1989_1991del, p.Cys664del (NM_001352606.2); c.1914_1916del, p.Cys639del (NM_001352607.2); c.1911_1913del, p.Cys638del (NM_001352608.2); c.1188_1190del, p.Cys397del (NM_001352610.2); c.1134_1136del, p.Cys379del (NM_001352611.2); and 1 more; short protein forms C712del, C686del, C379del, C397del, C638del, C639del, C694del, C664del.
Identifiers: ClinVar variation 554180 (VCV000554180.5), dbSNP rs1316778844, ClinGen allele CA611941253.